The following is an entry in ClinVar:

ClinVar aggregate classification (germline): Uncertain significance (1 of 4 stars; one submission).

Conditions:
Ullrich congenital muscular dystrophy 2 (UCMD2). Identifiers: Orphanet 75840, MedGen C4225314, MONDO:0014654, OMIM 616470.
Bethlem myopathy 2 (BTHLM2). Identifiers: Orphanet 536516, Orphanet 610, MedGen C4225313, MONDO:0034022, OMIM 616471.

gnomAD v4.1: 2 of 1,614,140 alleles (0.00012%); highest among the groups gnomAD compares: Admixed American, 0.0033%; no homozygotes.

Submission:

Labcorp Genetics (formerly Invitae), Labcorp
Classification: Uncertain significance for Bethlem myopathy 2; Ullrich congenital muscular dystrophy 2. Last evaluated: 2025-03-31. Review status: criteria provided, single submitter. Criteria: Invitae Variant Classification Sherloc (09022015). Collection method: clinical testing. Allele origin: germline.
Comment: This sequence change replaces threonine, which is neutral and polar, with proline, which is neutral and non-polar, at codon 1617 of the COL12A1 protein (p.Thr1617Pro). This variant is present in population databases (no rsID available, gnomAD 0.003%). This variant has not been reported in the literature in individuals affected with COL12A1-related conditions. ClinVar contains an entry for this variant (Variation ID: 1409615). Invitae Evidence Modeling of protein sequence and biophysical properties (such as structural, functional, and spatial information, amino acid conservation, physicochemical variation, residue mobility, and thermodynamic stability) has been performed for this missense variant. However, the output from this modeling did not meet the statistical confidence thresholds required to predict the impact of this variant on COL12A1 protein function. In summary, the available evidence is currently insufficient to determine the role of this variant in disease. Therefore, it has been classified as a Variant of Uncertain Significance.

NM_004370.6(COL12A1):c.4849A>C (p.Thr1617Pro)

Gene: COL12A1 (collagen type XII alpha 1 chain; minus strand). Cytogenetic location: 6q13.
Variant type: single nucleotide variant.
Coding change: c.4849A>C on transcript NM_004370.6 (MANE Select); coding-DNA position 4849, A replaced by C.
Protein change: p.Thr1617Pro; replaces threonine 1617 with proline.
Molecular consequence: missense variant.
Genome position (GRCh38, 1-based): chr6:75,142,140, T>G on the plus strand (A>C on the coding strand, the complement: COL12A1 is on the minus strand). VCF-style: chr6-75142140-T-G. GRCh37 (hg19) VCF-style: chr6-75851856-T-G.
Other names: c.1357A>C, p.Thr453Pro (NM_080645.3); short protein forms T453P, T1617P.
Identifiers: ClinVar variation 1409615 (VCV001409615.6), dbSNP rs750511139, ClinGen allele CA364740939.